The following is an entry in ClinVar:

NM_177438.3(DICER1):c.1835dup (p.Pro613fs)

Gene: DICER1 (dicer 1, ribonuclease III; minus strand). Cytogenetic location: 14q32.13.
Variant type: Duplication.
Coding change: c.1835dup on transcript NM_177438.3 (MANE Select); coding-DNA position 1835, one base duplicated (C; older notation c.1835dupC).
Protein change: p.Pro613fs; shifts the reading frame from proline 613.
Molecular consequence: frameshift variant. On other transcripts: non-coding transcript variant (6).
Genome position (GRCh38, 1-based): chr14:95,115,739, G duplicated on the plus strand (C on the coding strand, the reverse complement: DICER1 is on the minus strand); the first of 3 consecutive G bases (chr14:95,115,739-95,115,741); duplicating any one gives the same sequence. VCF-style (leftmost placement, unchanged base first): chr14-95115738-T-TG. GRCh37 (hg19) VCF-style: chr14-95582075-T-TG.
Other names: c.1835dup, p.Pro613fs (NM_001195573.1, NM_001271282.3, NM_001291628.2 and 12 more transcripts); c.1553dup, p.Pro519fs (NM_001395686.1); c.1430dup, p.Pro478fs (NM_001395687.1, NM_001395688.1, NM_001395689.1 and 3 more transcripts); c.1268dup, p.Pro424fs (NM_001395691.1); c.152dup, p.Pro52fs (NM_001395697.1); short protein forms P478fs, P52fs, P424fs, P613fs, P519fs.
Identifiers: ClinVar variation 4731840 (VCV004731840.1).

ClinVar aggregate classification (germline): Pathogenic (1 of 4 stars; one submission).

Conditions:
DICER1-related tumor predisposition. Also called: DICER1-related pleuropulmonary blastoma cancer predisposition syndrome; DICER1 syndrome. Identifiers: Orphanet 284343, MedGen C3839822, MONDO:0100216.

Submission:

Labcorp Genetics (formerly Invitae), Labcorp
Classification: Pathogenic for DICER1-related tumor predisposition. Last evaluated: 2025-11-24. Review status: criteria provided, single submitter. Criteria: Invitae Variant Classification Sherloc (09022015). Collection method: clinical testing. Allele origin: germline.
Comment: This sequence change creates a premature translational stop signal (p.Pro613Thrfs*7) in the DICER1 gene. It is expected to result in an absent or disrupted protein product. Loss-of-function variants in DICER1 are known to be pathogenic (PMID: 19556464, 21266384). This variant is not present in population databases (gnomAD no frequency). This variant has not been reported in the literature in individuals affected with DICER1-related conditions. For these reasons, this variant has been classified as Pathogenic.

Literature cited by the submitters: PubMed 19556464; PubMed 21266384.